The following is an entry in ClinVar:

NM_000222.3(KIT):c.1351T>C (p.Ser451Pro)

Gene: KIT (KIT proto-oncogene, receptor tyrosine kinase; plus strand). Cytogenetic location: 4q12.
Variant type: single nucleotide variant.
Coding change: c.1351T>C on transcript NM_000222.3 (MANE Select); coding-DNA position 1351, T replaced by C.
Protein change: p.Ser451Pro; replaces serine 451 with proline.
Molecular consequence: missense variant.
Genome position (GRCh38, 1-based): chr4:54,725,861, T>C. VCF-style: chr4-54725861-T-C. GRCh37 (hg19) VCF-style: chr4-55592027-T-C.
Other names: c.1351T>C, p.Ser451Pro (NM_001093772.2, NM_001385285.1, NM_001385286.1); c.1354T>C, p.Ser452Pro (NM_001385284.1, NM_001385288.1, NM_001385290.1 and 1 more transcripts); short protein forms S451P, S452P.
Identifiers: ClinVar variation 409718 (VCV000409718.25), dbSNP rs145183977, ClinGen allele CA2923476.

ClinVar aggregate classification (germline): Conflicting classifications of pathogenicity. Review status: criteria provided, conflicting classifications (1 of 4 stars). 8 submissions from 8 submitters: Uncertain significance (6); Likely benign (2). Last evaluated 2026-10-01.

Conditions:
Gastrointestinal stromal tumor. Also called: Gastrointestinal stroma tumor; Gastrointestinal stromal tumor, somatic. Identifiers: Orphanet 44890, MedGen C0238198, MeSH D046152, MONDO:0011719, OMIM 606764, HP:0100723.
KIT-related disorder. Also called: KIT-related condition.
Hereditary cancer-predisposing syndrome. Also called: Hereditary neoplastic syndrome; Neoplastic Syndromes, Hereditary; Hereditary Cancer Syndrome; Tumor predisposition. Identifiers: Orphanet 140162, MedGen C0027672, MeSH D009386, MONDO:0015356.

Allele frequency attached by ClinVar (database versions not stated): gnomAD exomes 0.00002; ExAC 0.00003; gnomAD 0.00005 and 0.00006; TOPMed 0.00005.
gnomAD v4.1: 68 of 1,613,980 alleles (0.0042%); highest among the groups gnomAD compares: Non-Finnish European, 0.0056%; no homozygotes.

Submissions (8):

St. Jude Molecular Pathology, St. Jude Children's Research Hospital
Classification: Uncertain significance for Gastrointestinal stromal tumor. Last evaluated: 2026-10-01. Review status: criteria provided, single submitter. Criteria: St. Jude Assertion Criteria 2020. Collection method: clinical testing. Allele origin: germline.
Comment: The KIT c.1351T>C p.(Ser451Pro) missense change has a maximum subpopulation frequency of 0.005% in gnomAD v2.1.1. The in silico tool REVEL predicts a benign effect on protein function, but to our knowledge this prediction has not been confirmed by functional studies. To our knowledge, this variant has not been reported in individuals with KIT-related ga strointestinal stromal tumor. In summary, the evidence currently available is insufficient to determine the clinical significance of this variant. It has therefore been classified as of uncertain significance.

Myriad Genetics, Inc.
Classification: Likely benign for Gastrointestinal stromal tumor. Last evaluated: 2026-05-27. Review status: criteria provided, single submitter. Criteria: Myriad Autosomal Dominant, Autosomal Recessive and X-Linked Classification Criteria (2023). Collection method: clinical testing. Allele origin: unknown.
Comment: This variant is considered likely benign. This variant has been observed at a population frequency that is significantly greater than expected given the associated disease prevalence and penetrance.

Labcorp Genetics (formerly Invitae), Labcorp
Classification: Uncertain significance for Gastrointestinal stromal tumor. Last evaluated: 2026-01-28. Review status: criteria provided, single submitter. Criteria: Invitae Variant Classification Sherloc (09022015). Collection method: clinical testing. Allele origin: germline.
Comment: This sequence change replaces serine, which is neutral and polar, with proline, which is neutral and non-polar, at codon 451 of the KIT protein (p.Ser451Pro). This variant is present in population databases (rs145183977, gnomAD 0.005%). This variant has not been reported in the literature in individuals affected with KIT-related conditions. ClinVar contains an entry for this variant (Variation ID: 409718). An algorithm developed to predict the effect of missense changes on protein structure and function (PolyPhen-2) suggests that this variant is likely to be tolerated. In summary, the available evidence is currently insufficient to determine the role of this variant in disease. Therefore, it has been classified as a Variant of Uncertain Significance.

PreventionGenetics, part of Exact Sciences
Classification: Uncertain significance for KIT-related condition. Last evaluated: 2025-04-03. Review status: criteria provided, single submitter. Criteria: ACMG Guidelines, 2015. Collection method: clinical testing. Allele origin: germline.
Comment: The KIT c.1351T>C variant is predicted to result in the amino acid substitution p.Ser451Pro. This variant has been reported in a cohort study of individuals with cutaneous melanoma and at least two independent additional primary cancers (Supplemental Data, Pritchard et al. 2018. PubMed ID: 29641532). This variant is reported in 0.0047% of alleles in individuals of European (Non-Finnish) descent in gnomAD and has conflicting interpretations regarding its pathogenicity in ClinVar, ranging from uncertain to likely benign. At this time, the clinical significance of this variant is uncertain due to the absence of conclusive functional and genetic evidence.

GeneDx
Classification: Uncertain significance. Last evaluated: 2024-08-27. Review status: criteria provided, single submitter. Criteria: GeneDx Variant Classification Process June 2021. Collection method: clinical testing. Allele origin: germline.
Comment: Observed in a patient with melanoma, colorectal cancer, and systemic mastocytosis (PMID: 29641532); In silico analysis indicates that this missense variant does not alter protein structure/function; This variant is associated with the following publications: (PMID: 29641532)

Ambry Genetics
Classification: Likely benign for Hereditary cancer-predisposing syndrome. Last evaluated: 2024-04-09. Review status: criteria provided, single submitter. Criteria: Ambry Variant Classification Scheme 2023. Collection method: clinical testing. Allele origin: germline.

Baylor Genetics
Classification: Uncertain significance for Gastrointestinal stromal tumor. Last evaluated: 2024-03-15. Review status: criteria provided, single submitter. Criteria: ACMG Guidelines, 2015. Collection method: clinical testing. Allele origin: unknown.

Sema4
Classification: Uncertain significance for Hereditary cancer-predisposing syndrome. Last evaluated: 2022-03-18. Review status: criteria provided, single submitter. Criteria: Sema4 Curation Guidelines. Collection method: curation. Allele origin: germline.
Comment: The KIT c.1351T>C (p.S451P) variant has not been reported in the literature to our knowledge. It was observed in 6/128622 chromosomes of the Non-Finnish European subpopulation in the Genome Aggregation Database (PMID: 32461654). This variant has been reported in ClinVar (Variation ID 409718). In silico tools suggest the impact of the variant on protein function is benign, though these predictions have not been confirmed by functional studies. The evidence is insufficient to meet ACMG/AMP criteria for classifying the variant as benign or pathogenic. Thus, the clinical significance of this variant is currently uncertain.

Literature cited by the submitters: PubMed 29641532 (cited by Ambry Genetics).